The following is an entry in ClinVar:

ClinVar aggregate classification (germline): Conflicting classifications of pathogenicity. Review status: criteria provided, conflicting classifications (1 of 4 stars). 6 submissions from 6 submitters: Uncertain significance (4); Likely benign (2). Last evaluated 2025-12-23.

Conditions:
Xeroderma pigmentosum (XP). Identifiers: Orphanet 910, MedGen C0043346, MONDO:0019600.
Cockayne syndrome. Identifiers: Orphanet 191, MedGen C0009207, MONDO:0016006.
Fanconi anemia complementation group Q. Identifiers: Orphanet 84, MedGen C3808988, MONDO:0014108, OMIM 615272.
Xeroderma pigmentosum, group F (XPF). Also called: XERODERMA PIGMENTOSUM, TYPE F; Xeroderma pigmentosum, type 6; ERCC4-Related Xeroderma Pigmentosum; XERODERMA PIGMENTOSUM VI; XP, GROUP F; XERODERMA PIGMENTOSUM, COMPLEMENTATION GROUP F. Identifiers: MedGen C0268140, MONDO:0010215, OMIM 278760.
Inborn genetic diseases. Identifiers: MedGen C0950123, MeSH D030342.

Allele frequency attached by ClinVar (database versions not stated): gnomAD exomes 0.00003 and 0.00014; ExAC 0.00017; gnomAD 0.00038; TOPMed 0.00045; ESP Exome Variant Server 0.00046; 1000 Genomes Project 30x 0.00094; 1000 Genomes Project 0.00120.
gnomAD v4.1: 106 of 1,611,490 alleles (0.0066%); highest among the groups gnomAD compares: African/African-American, 0.1%; no homozygotes.

Submissions (6):

Labcorp Genetics (formerly Invitae), Labcorp
Classification: Likely benign for Fanconi anemia complementation group Q; Xeroderma pigmentosum, group F; Cockayne syndrome. Last evaluated: 2025-12-23. Review status: criteria provided, single submitter. Criteria: Invitae Variant Classification Sherloc (09022015). Collection method: clinical testing. Allele origin: germline.

St. Jude Molecular Pathology, St. Jude Children's Research Hospital
Classification: Uncertain significance for Xeroderma pigmentosum, group F. Last evaluated: 2025-06-17. Review status: criteria provided, single submitter. Criteria: St. Jude Assertion Criteria 2020. Collection method: clinical testing. Allele origin: germline.
Comment: The ERCC4 c.1802A>C p.(Lys601Thr) missense change has a maximum subpopulation frequency of 0.15% in gnomAD v2.1.1. The in silico tool REVEL predicts a benign effect on protein function, but to our knowledge this prediction has not been confirmed by functional studies. To our knowledge, this variant has not been reported in individuals with Fanconi anemia or Xeroderma pigmentosum. In summary, the evidence currently available is insufficient to determine the clinical significance of this variant. It has therefore been classified as of uncertain significance.

Ambry Genetics
Classification: Likely benign for Inborn genetic diseases. Last evaluated: 2025-06-06. Review status: criteria provided, single submitter. Criteria: Ambry Variant Classification Scheme 2023. Collection method: clinical testing. Allele origin: germline.

GeneDx
Classification: Uncertain significance. Last evaluated: 2024-07-26. Review status: criteria provided, single submitter. Criteria: GeneDx Variant Classification Process June 2021. Collection method: clinical testing. Allele origin: germline. Affected: yes.
Comment: In silico analysis indicates that this missense variant does not alter protein structure/function; Has not been previously published as pathogenic or benign to our knowledge

Sema4
Classification: Uncertain significance for Xeroderma pigmentosum. Last evaluated: 2022-02-27. Review status: criteria provided, single submitter. Criteria: Sema4 Curation Guidelines. Collection method: curation. Allele origin: germline.
Comment: The ERCC4 c.1802A>C (p.K601T) variant has not been reported in the literature to our knowledge. This variant was observed in 37/24592 chromosomes in the African/African American population, including no homozygotes, according to the Genome Aggregation Database (PMID: 32461654). The variant has been reported in ClinVar (Variation ID: 998517). Functional studies have not been performed, and in silico predictions of the variant's effect on protein function are inconclusive. The evidence is insufficient to meet ACMG/AMP criteria for classifying the variant as benign or pathogenic. Thus, the clinical significance of this variant is currently uncertain.

Genetic Services Laboratory, University of Chicago
Classification: Uncertain significance. Last evaluated: 2021-05-26. Review status: criteria provided, single submitter. Criteria: ACMG Guidelines, 2015. Collection method: clinical testing. Allele origin: germline. Affected: no.

NM_005236.3(ERCC4):c.1802A>C (p.Lys601Thr)

Gene: ERCC4 (ERCC excision repair 4, endonuclease catalytic subunit; plus strand). Cytogenetic location: 16p13.12.
Variant type: single nucleotide variant.
Coding change: c.1802A>C on transcript NM_005236.3 (MANE Select); coding-DNA position 1802, A replaced by C.
Protein change: p.Lys601Thr; replaces lysine 601 with threonine.
Molecular consequence: missense variant.
Genome position (GRCh38, 1-based): chr16:13,935,734, A>C. VCF-style: chr16-13935734-A-C. GRCh37 (hg19) VCF-style: chr16-14029591-A-C.
Other names: short protein forms K601T.
Identifiers: ClinVar variation 998517 (VCV000998517.15), dbSNP rs138532294, ClinGen allele CA7910540.
Genomic context (GRCh38, chr16:13,935,734, plus strand): 5'-ATGACGCAGAGCTAACCTTTGTTCGGCAGCTTGAAATTTACAGGGCGAGTAGGCCTGGGA[A>C]ACCTCTGAGGCAAGTTATAAAGAATCACAGCTTTCAGTTGCACAGTTCTTTAGGATTTAA-3'
Protein context (NP_005227.1, residues 591-611): LEIYRASRPG[Lys601Thr]PLRVYFLIYG